The following is an entry in ClinVar:

NM_001365536.1(SCN9A):c.5182G>A (p.Gly1728Arg)

Genes: SCN1A-AS1 (SCN1A and SCN9A antisense RNA 1; plus strand), SCN9A (sodium voltage-gated channel alpha subunit 9; minus strand). Cytogenetic location: 2q24.3.
Variant type: single nucleotide variant.
Coding change: c.5182G>A on transcript NM_001365536.1 (MANE Select); coding-DNA position 5182, G replaced by A.
Protein change: p.Gly1728Arg; replaces glycine 1728 with arginine.
Molecular consequence: missense variant.
Genome position (GRCh38, 1-based): chr2:166,199,457, C>T on the plus strand (G>A on the coding strand, the complement: SCN9A is on the minus strand). VCF-style: chr2-166199457-C-T. GRCh37 (hg19) VCF-style: chr2-167055967-C-T.
Other names: c.5149G>A, p.Gly1717Arg (NM_002977.4); short protein forms G1728R, G1717R.
Identifiers: ClinVar variation 965618 (VCV000965618.10), dbSNP rs1553473134, ClinGen allele CA349054351.

ClinVar aggregate classification (germline): Uncertain significance (1 of 4 stars; one submission).

Conditions:
Generalized epilepsy with febrile seizures plus, type 7 (GEFSP7). Also called: GEFS+, TYPE 7. Identifiers: Orphanet 36387, MedGen C2751778, MONDO:0013470, OMIM 613863.
Neuropathy, hereditary sensory and autonomic, type 2A (HSAN2A). Also called: MORVAN DISEASE; NEUROPATHY, CONGENITAL SENSORY; NEUROPATHY, HEREDITARY SENSORY RADICULAR, AUTOSOMAL RECESSIVE; NEUROPATHY, HEREDITARY SENSORY, TYPE IIA; NEUROPATHY, PROGRESSIVE SENSORY, OF CHILDREN; ACROOSTEOLYSIS, GIACCAI TYPE. Identifiers: Orphanet 970, MedGen C2752089, MONDO:0024309, OMIM 201300.

Submission:

Labcorp Genetics (formerly Invitae), Labcorp
Classification: Uncertain significance for Neuropathy, hereditary sensory and autonomic, type 2A; Generalized epilepsy with febrile seizures plus, type 7. Last evaluated: 2019-10-19. Review status: criteria provided, single submitter. Criteria: Invitae Variant Classification Sherloc (09022015). Collection method: clinical testing. Allele origin: germline.
Comment: This sequence change replaces glycine with arginine at codon 1717 of the SCN9A protein (p.Gly1717Arg). The glycine residue is highly conserved and there is a moderate physicochemical difference between glycine and arginine. This variant is not present in population databases (ExAC no frequency). This variant has not been reported in the literature in individuals with SCN9A-related conditions. Algorithms developed to predict the effect of missense changes on protein structure and function (SIFT, PolyPhen-2, Align-GVGD) all suggest that this variant is likely to be disruptive, but these predictions have not been confirmed by published functional studies and their clinical significance is uncertain. In summary, the available evidence is currently insufficient to determine the role of this variant in disease. Therefore, it has been classified as a Variant of Uncertain Significance.